The following is an entry in ClinVar:

ClinVar aggregate classification (germline): Uncertain significance (1 of 4 stars; one submission).

Conditions:
Asphyxiating thoracic dystrophy 5 (SRTD5). Also called: SHORT-RIB THORACIC DYSPLASIA 5 WITHOUT POLYDACTYLY; SHORT-RIB THORACIC DYSPLASIA 5 WITH OR WITHOUT POLYDACTYLY. Identifiers: Orphanet 474, MedGen C3280598, MONDO:0013717, OMIM 614376.
Senior-Loken syndrome 8 (SLSN8). Identifiers: Orphanet 3156, MedGen C4225376, MONDO:0014579, OMIM 616307.

Allele frequency attached by ClinVar (database versions not stated): gnomAD 0.00001; TOPMed 0.00001.
gnomAD v4.1: 8 of 1,552,810 alleles (0.00052%); highest among the groups gnomAD compares: Non-Finnish European, 0.00061%; no homozygotes.

Submission:

Labcorp Genetics (formerly Invitae), Labcorp
Classification: Uncertain significance for Senior-Loken syndrome 8; Asphyxiating thoracic dystrophy 5. Last evaluated: 2021-12-29. Review status: criteria provided, single submitter. Criteria: Invitae Variant Classification Sherloc (09022015). Collection method: clinical testing. Allele origin: germline.
Comment: In summary, the available evidence is currently insufficient to determine the role of this variant in disease. Therefore, it has been classified as a Variant of Uncertain Significance. Algorithms developed to predict the effect of missense changes on protein structure and function output the following: SIFT: "Deleterious"; PolyPhen-2: "Possibly Damaging"; Align-GVGD: "Class C0". The cysteine amino acid residue is found in multiple mammalian species, which suggests that this missense change does not adversely affect protein function. This variant has not been reported in the literature in individuals affected with WDR19-related conditions. This variant is not present in population databases (gnomAD no frequency). This sequence change replaces arginine, which is basic and polar, with cysteine, which is neutral and slightly polar, at codon 3 of the WDR19 protein (p.Arg3Cys).

NM_025132.4(WDR19):c.7C>T (p.Arg3Cys)

Gene: WDR19 (WD repeat domain 19; plus strand). Cytogenetic location: 4p14.
Variant type: single nucleotide variant.
Coding change: c.7C>T on transcript NM_025132.4 (MANE Select); coding-DNA position 7, C replaced by T.
Protein change: p.Arg3Cys; replaces arginine 3 with cysteine.
Molecular consequence: missense variant. On other transcripts: 5 prime UTR variant (1).
Genome position (GRCh38, 1-based): chr4:39,185,726, C>T. VCF-style: chr4-39185726-C-T. GRCh37 (hg19) VCF-style: chr4-39187346-C-T.
Other names: c.-358C>T (NM_001317924.2); short protein forms R3C.
Identifiers: ClinVar variation 2043572 (VCV002043572.2), dbSNP rs1725441648, ClinGen allele CA356630197.